The following is an entry in ClinVar:

ClinVar aggregate classification (germline): Benign (1 of 4 stars; one submission).

Allele frequency attached by ClinVar (database versions not stated): 1000 Genomes Project 0.00260; gnomAD 0.00337; TOPMed 0.00349; 1000 Genomes Project 30x 0.00375.
gnomAD v4.1: 665 of 398,490 alleles (0.17%); highest among the groups gnomAD compares: African/African-American, 1.1%; 5 homozygotes.

Submission:

CeGaT Center for Human Genetics Tuebingen
Classification: Benign. Last evaluated: 2026-06-01. Review status: criteria provided, single submitter. Criteria: CeGaT Center For Human Genetics Tuebingen Variant Classification Criteria Version 2. Collection method: clinical testing. Allele origin: germline. Affected: yes. Observed: 3 variant alleles.
Comment: KCNQ1OT1: BS1, BS2

NM_000218.3(KCNQ1):c.1394-14063T>A

Genes: KCNQ1 (potassium voltage-gated channel subfamily Q member 1; plus strand), KCNQ1OT1 (KCNQ1 opposite strand/antisense transcript 1; minus strand). Cytogenetic location: 11p15.5.
Variant type: single nucleotide variant.
Coding change: c.1394-14063T>A on transcript NM_000218.3 (MANE Select); 14063 bases into the intron before coding-DNA position 1394, T replaced by A.
Molecular consequence: intron variant.
Genome position (GRCh38, 1-based): chr11:2,647,898, T>A. VCF-style: chr11-2647898-T-A. GRCh37 (hg19) VCF-style: chr11-2669128-T-A.
Other names: c.1124-14063T>A (NM_001406837.1); c.1298-14063T>A (NM_001406836.1); c.854-14063T>A (NM_001406838.1); c.1013-14063T>A (NM_181798.2).
Identifiers: ClinVar variation 2582888 (VCV002582888.25), dbSNP rs146248373, ClinGen allele CA216160256.